The following is an entry in ClinVar:

ClinVar aggregate classification (germline): Uncertain significance (1 of 4 stars; one submission).

gnomAD v4.1: 21 of 1,613,932 alleles (0.0013%); highest among the groups gnomAD compares: Middle Eastern, 0.049%; 1 homozygote.

Submission:

Labcorp Genetics (formerly Invitae), Labcorp
Classification: Uncertain significance. Last evaluated: 2025-11-12. Review status: criteria provided, single submitter. Criteria: Invitae Variant Classification Sherloc (09022015). Collection method: clinical testing. Allele origin: germline.
Comment: This sequence change replaces valine, which is neutral and non-polar, with isoleucine, which is neutral and non-polar, at codon 3999 of the HMCN1 protein (p.Val3999Ile). This variant is present in population databases (rs182664406, gnomAD 0.007%). This variant has not been reported in the literature in individuals affected with HMCN1-related conditions. An algorithm developed to predict the effect of missense changes on protein structure and function (PolyPhen-2) suggests that this variant is likely to be disruptive. In summary, the available evidence is currently insufficient to determine the role of this variant in disease. Therefore, it has been classified as a Variant of Uncertain Significance.

NM_031935.3(HMCN1):c.11995G>A (p.Val3999Ile)

Gene: HMCN1 (hemicentin 1; plus strand). Cytogenetic location: 1q31.1.
Variant type: single nucleotide variant.
Coding change: c.11995G>A on transcript NM_031935.3 (MANE Select); coding-DNA position 11995, G replaced by A.
Protein change: p.Val3999Ile; replaces valine 3999 with isoleucine.
Molecular consequence: missense variant.
Genome position (GRCh38, 1-based): chr1:186,119,783, G>A. VCF-style: chr1-186119783-G-A. GRCh37 (hg19) VCF-style: chr1-186088915-G-A.
Other names: short protein forms V3999I.
Identifiers: ClinVar variation 4748713 (VCV004748713.1).